The following is an entry in ClinVar:

ClinVar aggregate classification (germline): Uncertain significance (1 of 4 stars; one submission).

Conditions:
Psoriasis 2. Identifiers: MedGen C1864497, MONDO:0011269, OMIM 602723.
Pityriasis rubra pilaris (PRP). Also called: Pityriasis rubra pilaris--familial type. Identifiers: Orphanet 2897, MedGen C0032027, MONDO:0100017, OMIM 173200, MONDO:0008251.

Submission:

Labcorp Genetics (formerly Invitae), Labcorp
Classification: Uncertain significance for Pityriasis rubra pilaris; Psoriasis 2. Last evaluated: 2022-03-19. Review status: criteria provided, single submitter. Criteria: Invitae Variant Classification Sherloc (09022015). Collection method: clinical testing. Allele origin: germline.
Comment: This sequence change replaces phenylalanine, which is neutral and non-polar, with leucine, which is neutral and non-polar, at codon 390 of the CARD14 protein (p.Phe390Leu). This variant is not present in population databases (gnomAD no frequency). This variant has not been reported in the literature in individuals affected with CARD14-related conditions. Algorithms developed to predict the effect of missense changes on protein structure and function (SIFT, PolyPhen-2, Align-GVGD) all suggest that this variant is likely to be tolerated. In summary, the available evidence is currently insufficient to determine the role of this variant in disease. Therefore, it has been classified as a Variant of Uncertain Significance.

NM_001366385.1(CARD14):c.1170C>G (p.Phe390Leu)

Gene: CARD14 (caspase recruitment domain family member 14; plus strand). Cytogenetic location: 17q25.3.
Variant type: single nucleotide variant.
Coding change: c.1170C>G on transcript NM_001366385.1 (MANE Select); coding-DNA position 1170, C replaced by G.
Protein change: p.Phe390Leu; replaces phenylalanine 390 with leucine.
Molecular consequence: missense variant. On other transcripts: non-coding transcript variant (1).
Genome position (GRCh38, 1-based): chr17:80,191,403, C>G. VCF-style: chr17-80191403-C-G. GRCh37 (hg19) VCF-style: chr17-78165202-C-G.
Other names: c.1170C>G, p.Phe390Leu (NM_001257970.1, NM_024110.4); c.459C>G, p.Phe153Leu (NM_052819.3); short protein forms F390L, F153L.
Identifiers: ClinVar variation 2114498 (VCV002114498.4), dbSNP rs74951924, ClinGen allele CA401346218.